The following is an entry in ClinVar:

ClinVar aggregate classification (germline): Uncertain significance. Review status: criteria provided, multiple submitters, no conflicts (2 of 4 stars). 2 submissions from 2 submitters: Uncertain significance (2). Last evaluated 2025-06-05.

Conditions:
Early-infantile DEE. Also called: Early infantile epileptic encephalopathy; Early infantile epileptic encephalopathy with suppression bursts; Ohtahara syndrome. Identifiers: Orphanet 1934, MedGen C0393706, MONDO:0800491.

Submissions (2):

GeneDx
Classification: Uncertain significance. Last evaluated: 2025-06-05. Review status: criteria provided, single submitter. Criteria: GeneDx Variant Classification Process June 2021. Collection method: clinical testing. Allele origin: germline. Affected: yes.
Comment: Not observed at significant frequency in large population cohorts (gnomAD); In silico analysis supports that this missense variant has a deleterious effect on protein structure/function; This substitution is predicted to be within the transmembrane segment S6 of the third homologous domain; Has not been previously published as pathogenic or benign to our knowledge

Labcorp Genetics (formerly Invitae), Labcorp
Classification: Uncertain significance for Early-infantile DEE. Last evaluated: 2025-05-09. Review status: criteria provided, single submitter. Criteria: Invitae Variant Classification Sherloc (09022015). Collection method: clinical testing. Allele origin: germline.
Comment: This sequence change replaces tyrosine, which is neutral and polar, with cysteine, which is neutral and slightly polar, at codon 1441 of the SCN8A protein (p.Tyr1441Cys). This variant is not present in population databases (gnomAD no frequency). This variant has not been reported in the literature in individuals affected with SCN8A-related conditions. Invitae Evidence Modeling of protein sequence and biophysical properties (such as structural, functional, and spatial information, amino acid conservation, physicochemical variation, residue mobility, and thermodynamic stability) indicates that this missense variant is expected to disrupt SCN8A protein function with a positive predictive value of 95%. In summary, the available evidence is currently insufficient to determine the role of this variant in disease. Therefore, it has been classified as a Variant of Uncertain Significance.

NM_001330260.2(SCN8A):c.4322A>G (p.Tyr1441Cys)

Gene: SCN8A (sodium voltage-gated channel alpha subunit 8; plus strand). Cytogenetic location: 12q13.13.
Variant type: single nucleotide variant.
Coding change: c.4322A>G on transcript NM_001330260.2 (MANE Select); coding-DNA position 4322, A replaced by G.
Protein change: p.Tyr1441Cys; replaces tyrosine 1441 with cysteine.
Molecular consequence: missense variant.
Genome position (GRCh38, 1-based): chr12:51,789,321, A>G. VCF-style: chr12-51789321-A-G. GRCh37 (hg19) VCF-style: chr12-52183105-A-G.
Other names: c.4199A>G, p.Tyr1400Cys (NM_001177984.3, NM_001369788.1); c.4322A>G, p.Tyr1441Cys (NM_014191.4); short protein forms Y1400C, Y1441C.
Identifiers: ClinVar variation 4536543 (VCV004536543.2).
Genomic context (GRCh38, chr12:51,789,321, plus strand): 5'-TTTATCCTGTCCTTTGACAGCCTGATGAGCAGCCTAAGTATGAGGACAATATCTACATGT[A>G]CATCTATTTTGTCATCTTCATCATCTTCGGCTCCTTCTTCACCCTGAACCTGTTCATTGG-3'
Protein context (NP_001317189.1, residues 1431-1451): QPKYEDNIYM[Tyr1441Cys]IYFVIFIIFG